The following is an entry in ClinVar:

NM_001374736.1(DST):c.16175G>A (p.Arg5392Gln)

Gene: DST (dystonin; minus strand). Cytogenetic location: 6p12.1.
Variant type: single nucleotide variant.
Coding change: c.16175G>A on transcript NM_001374736.1 (MANE Select); coding-DNA position 16175, G replaced by A.
Protein change: p.Arg5392Gln; replaces arginine 5392 with glutamine.
Molecular consequence: missense variant.
Genome position (GRCh38, 1-based): chr6:56,552,617, C>T on the plus strand (G>A on the coding strand, the complement: DST is on the minus strand). VCF-style: chr6-56552617-C-T. GRCh37 (hg19) VCF-style: chr6-56417415-C-T.
Other names: c.9818G>A, p.Arg3273Gln (NM_001144769.5); c.9404G>A, p.Arg3135Gln (NM_001144770.2); c.16175G>A, p.Arg5392Gln (NM_001374722.1); c.15542G>A, p.Arg5181Gln (NM_001374729.1); c.9284G>A, p.Arg3095Gln (NM_001374730.1, NM_183380.4); c.16202G>A, p.Arg5401Gln (NM_001374734.1); c.8306G>A, p.Arg2769Gln (NM_015548.5); short protein forms R5401Q, R3135Q, R5181Q, R2769Q, R3273Q, R3095Q, R5392Q.
Identifiers: ClinVar variation 969637 (VCV000969637.8), dbSNP rs201501487, ClinGen allele CA3867716.

ClinVar aggregate classification (germline): Uncertain significance. Review status: criteria provided, multiple submitters, no conflicts (2 of 4 stars). 3 submissions from 3 submitters: Uncertain significance (3). Last evaluated 2026-06-09.

Conditions:
DST-related disorder. Also called: DST-related condition; DST-related disorders.
Epidermolysis bullosa simplex 3, localized or generalized intermediate, with BP230 deficiency (EBS3). Also called: Epidermolysis bullosa simplex, autosomal recessive 2; Epidermolysis bullosa simplex due to BP230 deficiency. Identifiers: Orphanet 412181, MedGen C3809470, MONDO:0014180, OMIM 615425.
Hereditary sensory and autonomic neuropathy type 6. Also called: HSAN VI; Neuropathy, hereditary sensory and autonomic, type VI. Identifiers: Orphanet 314381, MedGen C3539003, MONDO:0013839, OMIM 614653.
Inborn genetic diseases. Identifiers: MedGen C0950123, MeSH D030342.

Allele frequency attached by ClinVar (database versions not stated): ExAC 0.00002; TOPMed 0.00003; gnomAD 0.00004 and 0.00005; gnomAD exomes 0.00004 and 0.00006; ESP Exome Variant Server 0.00008.
gnomAD v4.1: 95 of 1,613,750 alleles (0.0059%); highest among the groups gnomAD compares: Non-Finnish European, 0.0068%; no homozygotes.

Submissions (3):

PreventionGenetics, part of Exact Sciences
Classification: Uncertain significance for DST-related condition. Last evaluated: 2026-06-09. Review status: criteria provided, single submitter. Criteria: ACMG Guidelines, 2015. Collection method: clinical testing. Allele origin: germline.
Comment: The DST c.9818G>A variant is predicted to result in the amino acid substitution p.Arg3273Gln. To our knowledge, this variant has not been reported in the literature. This variant is reported in 0.0083% of alleles in individuals of African descent in gnomAD. At this time, the clinical significance of this variant is uncertain due to the absence of conclusive functional and genetic evidence.

Labcorp Genetics (formerly Invitae), Labcorp
Classification: Uncertain significance for Epidermolysis bullosa simplex 3, localized or generalized intermediate, with BP230 deficiency; Hereditary sensory and autonomic neuropathy type 6. Last evaluated: 2022-04-20. Review status: criteria provided, single submitter. Criteria: Invitae Variant Classification Sherloc (09022015). Collection method: clinical testing. Allele origin: germline.
Comment: The DST gene has multiple clinically relevant transcripts. This variant occurs in alternate transcript NM_015548.4, and corresponds to NM_001723.5:c.*62900G>A in the primary transcript. This sequence change replaces arginine, which is basic and polar, with glutamine, which is neutral and polar, at codon 2769 of the DST protein (p.Arg2769Gln). This variant is present in population databases (rs201501487, gnomAD 0.008%). This variant has not been reported in the literature in individuals affected with DST-related conditions. ClinVar contains an entry for this variant (Variation ID: 969637). Experimental studies and prediction algorithms are not available or were not evaluated, and the functional significance of this variant is currently unknown. In summary, the available evidence is currently insufficient to determine the role of this variant in disease. Therefore, it has been classified as a Variant of Uncertain Significance.

Ambry Genetics
Classification: Uncertain significance for Inborn genetic diseases. Last evaluated: 2020-06-30. Review status: criteria provided, single submitter. Criteria: Ambry Variant Classification Scheme 2023. Collection method: clinical testing. Allele origin: germline.
Comment: The p.R3273Q variant (also known as c.9818G>A), located in coding exon 55 of the DST gene, results from a G to A substitution at nucleotide position 9818. The arginine at codon 3273 is replaced by glutamine, an amino acid with highly similar properties. This amino acid position is highly conserved in available vertebrate species. In addition, the in silico prediction for this alteration is inconclusive. Since supporting evidence is limited at this time, the clinical significance of this alteration remains unclear.